The following is an entry in ClinVar:

ClinVar aggregate classification (germline): Uncertain significance. Review status: criteria provided, multiple submitters, no conflicts (2 of 4 stars). 2 submissions from 2 submitters: Uncertain significance (2). Last evaluated 2022-06-30.

Allele frequency attached by ClinVar (database versions not stated): gnomAD exomes below 0.00001; TOPMed below 0.00001; gnomAD 0.00001.
gnomAD v4.1: 6 of 1,613,920 alleles (0.00037%); highest among the groups gnomAD compares: Non-Finnish European, 0.00051%; no homozygotes.

Submissions (2):

Blueprint Genetics
Classification: Uncertain significance. Last evaluated: 2022-06-30. Review status: criteria provided, single submitter. Criteria: ACMG Guidelines, 2015. Collection method: clinical testing. Allele origin: germline.

Labcorp Genetics (formerly Invitae), Labcorp
Classification: Uncertain significance. Last evaluated: 2020-06-26. Review status: criteria provided, single submitter. Criteria: Invitae Variant Classification Sherloc (09022015). Collection method: clinical testing. Allele origin: germline.
Comment: This sequence change replaces serine with leucine at codon 4530 of the USH2A protein (p.Ser4530Leu). The serine residue is highly conserved and there is a large physicochemical difference between serine and leucine. This variant is not present in population databases (ExAC no frequency). This variant has not been reported in the literature in individuals with USH2A-related disease. Algorithms developed to predict the effect of missense changes on protein structure and function do not agree on the potential impact of this missense change (SIFT: "Deleterious"; PolyPhen-2: "Benign"; Align-GVGD: "Class C65"). In summary, the available evidence is currently insufficient to determine the role of this variant in disease. Therefore, it has been classified as a Variant of Uncertain Significance.

NM_206933.4(USH2A):c.13589C>T (p.Ser4530Leu)

Gene: USH2A (usherin; minus strand). Cytogenetic location: 1q41.
Variant type: single nucleotide variant.
Coding change: c.13589C>T on transcript NM_206933.4 (MANE Select); coding-DNA position 13589, C replaced by T.
Protein change: p.Ser4530Leu; replaces serine 4530 with leucine.
Molecular consequence: missense variant.
Genome position (GRCh38, 1-based): chr1:215,674,322, G>A on the plus strand (C>T on the coding strand, the complement: USH2A is on the minus strand). VCF-style: chr1-215674322-G-A. GRCh37 (hg19) VCF-style: chr1-215847664-G-A.
Other names: short protein forms S4530L.
Identifiers: ClinVar variation 2062987 (VCV002062987.2), dbSNP rs1354338059, ClinGen allele CA344844433.